The following is an entry in ClinVar:

ClinVar aggregate classification (germline): Benign/Likely benign. Review status: criteria provided, multiple submitters, no conflicts (2 of 4 stars). 3 submissions from 3 submitters: Benign (1); Likely benign (2). Last evaluated 2025-07-25.

Conditions:
Hereditary cancer-predisposing syndrome. Also called: Neoplastic Syndromes, Hereditary; Hereditary neoplastic syndrome; Hereditary Cancer Syndrome; Tumor predisposition. Identifiers: Orphanet 140162, MedGen C0027672, MeSH D009386, MONDO:0015356.
Tuberous sclerosis 2 (TSC2). Identifiers: Orphanet 805, MedGen C1860707, MONDO:0013199, OMIM 613254.

Submissions (3):

Labcorp Genetics (formerly Invitae), Labcorp
Classification: Likely benign for Tuberous sclerosis 2. Last evaluated: 2025-07-25. Review status: criteria provided, single submitter. Criteria: Invitae Variant Classification Sherloc (09022015). Collection method: clinical testing. Allele origin: germline.

Myriad Genetics, Inc.
Classification: Benign for Tuberous sclerosis 2. Last evaluated: 2025-05-29. Review status: criteria provided, single submitter. Criteria: Myriad Autosomal Dominant, Autosomal Recessive and X-Linked Classification Criteria (2023). Collection method: clinical testing. Allele origin: unknown.
Comment: This variant is considered benign. This variant is a silent/synonymous amino acid change and it is not expected to impact splicing.

Ambry Genetics
Classification: Likely benign for Hereditary cancer-predisposing syndrome. Last evaluated: 2024-03-23. Review status: criteria provided, single submitter. Criteria: Ambry Variant Classification Scheme 2023. Collection method: clinical testing. Allele origin: germline.

NM_000548.5(TSC2):c.3357G>A (p.Gln1119=)

Gene: TSC2 (TSC complex subunit 2; plus strand). Cytogenetic location: 16p13.3.
Variant type: single nucleotide variant.
Coding change: c.3357G>A on transcript NM_000548.5 (MANE Select); coding-DNA position 3357, G replaced by A.
Protein change: p.Gln1119=; no amino-acid change (glutamine 1119 retained).
Molecular consequence: synonymous variant.
Genome position (GRCh38, 1-based): chr16:2,079,629, G>A. VCF-style: chr16-2079629-G-A. GRCh37 (hg19) VCF-style: chr16-2129630-G-A.
Other names: c.3357G>A (NM_000548.3); c.3225G>A, p.Gln1075= (NM_001077183.3, NM_001370404.1); c.3357G>A, p.Gln1119= (NM_001114382.3); c.3117G>A, p.Gln1039= (NM_001318827.2); c.3081G>A, p.Gln1027= (NM_001318829.2); c.2625G>A, p.Gln875= (NM_001318831.2); c.3258G>A, p.Gln1086= (NM_001318832.2); c.3228G>A, p.Gln1076= (NM_001363528.2, NM_001370405.1, NM_021055.3).
Identifiers: ClinVar variation 1086546 (VCV001086546.11), dbSNP rs1309073649, ClinGen allele CA492955295.